The following is an entry in ClinVar:

ClinVar aggregate classification (germline): Uncertain significance. Review status: criteria provided, multiple submitters, no conflicts (2 of 4 stars). 2 submissions from 2 submitters: Uncertain significance (2). Last evaluated 2024-06-25.

Allele frequency attached by ClinVar (database versions not stated): gnomAD 0.00001; gnomAD exomes 0.00001; TOPMed 0.00001; ExAC 0.00002.
gnomAD v4.1: 18 of 1,612,942 alleles (0.0011%); highest among the groups gnomAD compares: South Asian, 0.0022%; no homozygotes.

Submissions (2):

Blueprint Genetics
Classification: Uncertain significance. Last evaluated: 2024-06-25. Review status: criteria provided, single submitter. Criteria: ACMG Guidelines, 2015. Collection method: clinical testing. Allele origin: germline.

Labcorp Genetics (formerly Invitae), Labcorp
Classification: Uncertain significance. Last evaluated: 2022-07-19. Review status: criteria provided, single submitter. Criteria: Invitae Variant Classification Sherloc (09022015). Collection method: clinical testing. Allele origin: germline.
Comment: In summary, the available evidence is currently insufficient to determine the role of this variant in disease. Therefore, it has been classified as a Variant of Uncertain Significance. This sequence change replaces arginine, which is basic and polar, with cysteine, which is neutral and slightly polar, at codon 144 of the CYP4V2 protein (p.Arg144Cys). This variant is present in population databases (rs757683326, gnomAD 0.003%). This variant has not been reported in the literature in individuals affected with CYP4V2-related conditions. ClinVar contains an entry for this variant (Variation ID: 967143). Advanced modeling of protein sequence and biophysical properties (such as structural, functional, and spatial information, amino acid conservation, physicochemical variation, residue mobility, and thermodynamic stability) performed at Invitae indicates that this missense variant is expected to disrupt CYP4V2 protein function.

NM_207352.4(CYP4V2):c.430C>T (p.Arg144Cys)

Gene: CYP4V2 (cytochrome P450 family 4 subfamily V member 2; plus strand). Cytogenetic location: 4q35.1.
Variant type: single nucleotide variant.
Coding change: c.430C>T on transcript NM_207352.4 (MANE Select); coding-DNA position 430, C replaced by T.
Protein change: p.Arg144Cys; replaces arginine 144 with cysteine.
Molecular consequence: missense variant.
Genome position (GRCh38, 1-based): chr4:186,196,956, C>T. VCF-style: chr4-186196956-C-T. GRCh37 (hg19) VCF-style: chr4-187118110-C-T.
Other names: short protein forms R144C.
Identifiers: ClinVar variation 967143 (VCV000967143.6), dbSNP rs757683326, ClinGen allele CA3162560.